The following is an entry in ClinVar:

NM_025144.4(ALPK1):c.1180A>G (p.Thr394Ala)

Gene: ALPK1 (alpha kinase 1; plus strand). Cytogenetic location: 4q25.
Variant type: single nucleotide variant.
Coding change: c.1180A>G on transcript NM_025144.4 (MANE Select); coding-DNA position 1180, A replaced by G.
Protein change: p.Thr394Ala; replaces threonine 394 with alanine.
Molecular consequence: missense variant.
Genome position (GRCh38, 1-based): chr4:112,430,727, A>G. VCF-style: chr4-112430727-A-G. GRCh37 (hg19) VCF-style: chr4-113351883-A-G.
Other names: c.1180A>G (NM_025144.3); c.1180A>G, p.Thr394Ala (NM_001102406.2); c.946A>G, p.Thr316Ala (NM_001253884.2); short protein forms T316A, T394A.
Identifiers: ClinVar variation 3012141 (VCV003012141.4), dbSNP rs778364773, ClinGen allele CA3046680.

ClinVar aggregate classification (germline): Uncertain significance. Review status: criteria provided, multiple submitters, no conflicts (2 of 4 stars). 2 submissions from 2 submitters: Uncertain significance (2). Last evaluated 2025-07-15.

Conditions:
Inborn genetic diseases. Identifiers: MedGen C0950123, MeSH D030342.

Allele frequency attached by ClinVar (database versions not stated): gnomAD exomes 0.00001; TOPMed 0.00001; gnomAD 0.00001; ExAC 0.00002.
gnomAD v4.1: 10 of 1,614,106 alleles (0.00062%); highest among the groups gnomAD compares: Non-Finnish European, 0.00085%; no homozygotes.

Submissions (2):

Labcorp Genetics (formerly Invitae), Labcorp
Classification: Uncertain significance. Last evaluated: 2025-07-15. Review status: criteria provided, single submitter. Criteria: Invitae Variant Classification Sherloc (09022015). Collection method: clinical testing. Allele origin: germline.
Comment: This sequence change replaces threonine, which is neutral and polar, with alanine, which is neutral and non-polar, at codon 394 of the ALPK1 protein (p.Thr394Ala). This variant is present in population databases (rs778364773, gnomAD 0.002%). This variant has not been reported in the literature in individuals affected with ALPK1-related conditions. ClinVar contains an entry for this variant (Variation ID: 3012141). Invitae Evidence Modeling of protein sequence and biophysical properties (such as structural, functional, and spatial information, amino acid conservation, physicochemical variation, residue mobility, and thermodynamic stability) indicates that this missense variant is not expected to disrupt ALPK1 protein function with a negative predictive value of 80%. In summary, the available evidence is currently insufficient to determine the role of this variant in disease. Therefore, it has been classified as a Variant of Uncertain Significance.

Ambry Genetics
Classification: Uncertain significance for Inborn genetic diseases. Last evaluated: 2024-11-22. Review status: criteria provided, single submitter. Criteria: Ambry Variant Classification Scheme 2023. Collection method: clinical testing. Allele origin: germline.